The following is an entry in ClinVar:

ClinVar aggregate classification (germline): Pathogenic (1 of 4 stars; one submission).

Conditions:
Duchenne muscular dystrophy (DMD). Also called: MUSCULAR DYSTROPHY, PSEUDOHYPERTROPHIC PROGRESSIVE, DUCHENNE TYPE; Duchenne Muscular Dystrophy (DMD). Identifiers: Orphanet 98896, MedGen C0013264, MONDO:0010679, OMIM 310200.

Submission:

Labcorp Genetics (formerly Invitae), Labcorp
Classification: Pathogenic for Duchenne muscular dystrophy. Last evaluated: 2022-08-28. Review status: criteria provided, single submitter. Criteria: Invitae Variant Classification Sherloc (09022015). Collection method: clinical testing. Allele origin: germline.
Comment: For these reasons, this variant has been classified as Pathogenic. This variant has not been reported in the literature in individuals affected with DMD-related conditions. This variant is not present in population databases (gnomAD no frequency). This sequence change creates a premature translational stop signal (p.Met1816Asnfs*3) in the DMD gene. It is expected to result in an absent or disrupted protein product. Loss-of-function variants in DMD are known to be pathogenic (PMID: 16770791, 25007885).

Literature cited by the submitters: PubMed 16770791; PubMed 25007885.

NM_004006.3(DMD):c.5446dup (p.Met1816fs)

Gene: DMD (dystrophin; minus strand). Cytogenetic location: Xp21.1.
Variant type: Duplication.
Coding change: c.5446dup on transcript NM_004006.3 (MANE Select); coding-DNA position 5446, one base duplicated (A; older notation c.5446dupA).
Protein change: p.Met1816fs; shifts the reading frame from methionine 1816.
Molecular consequence: frameshift variant.
Genome position (GRCh38, 1-based): chrX:32,348,408, T duplicated on the plus strand (A on the coding strand, the reverse complement: DMD is on the minus strand). VCF-style (leftmost placement, unchanged base first): chrX-32348407-A-AT. GRCh37 (hg19) VCF-style: chrX-32366524-A-AT.
Other names: c.5422dup, p.Met1808fs (NM_000109.4); c.5434dup, p.Met1812fs (NM_004009.3); c.5077dup, p.Met1693fs (NM_004010.3); c.1423dup, p.Met475fs (NM_004011.4); c.1414dup, p.Met472fs (NM_004012.4); short protein forms M1693fs, M1808fs, M475fs, M1812fs, M1816fs, M472fs.
Identifiers: ClinVar variation 2027559 (VCV002027559.4), dbSNP rs2522056044, ClinGen allele CA2580100708.
Genomic context (GRCh38, chrX:32,348,407, plus strand): 5'-CTTTCCAAATATTTATTTCCACTCCTAGTTCATTCACACTTTTATCACAACCAATTTACC[A>AT]TATCTTTATTGAAGTCTTCCTCTTTCAGATTCACCCCCTGCTGAATTTCAGCCTCCAGTG-3'